The following is an entry in ClinVar:

ClinVar aggregate classification (germline): Pathogenic/Likely pathogenic. Review status: criteria provided, multiple submitters, no conflicts (2 of 4 stars). 2 submissions from 2 submitters: Pathogenic (1); Likely pathogenic (1). Last evaluated 2025-08-12.

Allele frequency attached by ClinVar (database versions not stated): gnomAD 0.00001; TOPMed 0.00002.

Submissions (2):

GeneDx
Classification: Likely pathogenic. Last evaluated: 2025-08-12. Review status: criteria provided, single submitter. Criteria: GeneDx Variant Classification Process June 2021. Collection method: clinical testing. Allele origin: germline. Affected: yes.
Comment: Frameshift variant predicted to result in protein truncation or nonsense mediated decay in a gene for which loss of function is a known mechanism of disease; Not observed at significant frequency in large population cohorts (gnomAD); Observed in individuals with breast cancer (PMID: 32427313); This variant is associated with the following publications: (PMID: 32427313)

Labcorp Genetics (formerly Invitae), Labcorp
Classification: Pathogenic. Last evaluated: 2023-10-13. Review status: criteria provided, single submitter. Criteria: Invitae Variant Classification Sherloc (09022015). Collection method: clinical testing. Allele origin: germline.
Comment: This sequence change creates a premature translational stop signal (p.Tyr579Ilefs*32) in the ERCC3 gene. It is expected to result in an absent or disrupted protein product. Loss-of-function variants in ERCC3 are known to be pathogenic (PMID: 16947863). This variant is present in population databases (no rsID available, gnomAD 0.01%). This premature translational stop signal has been observed in individual(s) with breast cancer (PMID: 32427313). ClinVar contains an entry for this variant (Variation ID: 2188812). For these reasons, this variant has been classified as Pathogenic.

Literature cited by the submitters: PubMed 16947863 (cited by Labcorp Genetics (formerly Invitae), Labcorp); PubMed 32427313 (cited by Labcorp Genetics (formerly Invitae), Labcorp).

NM_000122.2(ERCC3):c.1735del (p.Tyr579fs)

Gene: ERCC3 (ERCC excision repair 3, TFIIH core complex helicase subunit; minus strand). Cytogenetic location: 2q14.3.
Variant type: Deletion.
Coding change: c.1735del on transcript NM_000122.2 (MANE Select); coding-DNA position 1735, one base deleted (T; older notation c.1735delT).
Protein change: p.Tyr579fs; shifts the reading frame from tyrosine 579.
Molecular consequence: frameshift variant.
Genome position (GRCh38, 1-based): chr2:127,272,957, A deleted on the plus strand (T on the coding strand, the reverse complement: ERCC3 is on the minus strand). VCF-style (leftmost placement, unchanged base first): chr2-127272956-TA-T. GRCh37 (hg19) VCF-style: chr2-128030532-TA-T.
Other names: c.1735delT, p.Tyr579Ilefs (NM_000122.1); c.1543del, p.Tyr515fs (NM_001303416.2, NM_001303418.2); c.1735del (NM_000122.1); short protein forms Y579fs, Y515fs.
Identifiers: ClinVar variation 2188812 (VCV002188812.5), dbSNP rs1466213230, ClinGen allele CA535636122.
Genomic context (GRCh38, chr2:127,272,956, plus strand): 5'-TTGTGCTTGAAATTCTGGAGAATTTGCATCCTTTCCCCCTGAGACGTAGGTCCGTAGATA[TA>T]GGGTCTAGAGAAGAATGAAGCTGTGTTAGACCACAGAATAATGCCTCAGTTATCTTGAAA-3'